The following is an entry in ClinVar:

ClinVar aggregate classification (germline): Uncertain significance (1 of 4 stars; one submission).

Conditions:
Retinoblastoma (RB1). Also called: RETINOBLASTOMA, SOMATIC. Identifiers: Orphanet 790, MedGen C0035335, MeSH D012175, MONDO:0008380, OMIM 180200, HP:0009919. Disease mechanism: loss of function. Inheritance: Both sporadic and heritable forms are tested..

Submission:

Labcorp Genetics (formerly Invitae), Labcorp
Classification: Uncertain significance for Retinoblastoma. Last evaluated: 2022-02-09. Review status: criteria provided, single submitter. Criteria: Invitae Variant Classification Sherloc (09022015). Collection method: clinical testing. Allele origin: germline.
Comment: In summary, the available evidence is currently insufficient to determine the role of this variant in disease. Therefore, it has been classified as a Variant of Uncertain Significance. Algorithms developed to predict the effect of missense changes on protein structure and function (SIFT, PolyPhen-2, Align-GVGD) all suggest that this variant is likely to be disruptive. This variant has not been reported in the literature in individuals affected with RB1-related conditions. This variant is not present in population databases (gnomAD no frequency). This sequence change replaces serine, which is neutral and polar, with arginine, which is basic and polar, at codon 811 of the RB1 protein (p.Ser811Arg).

NM_000321.3(RB1):c.2433T>A (p.Ser811Arg)

Gene: RB1 (RB transcriptional corepressor 1; plus strand). Cytogenetic location: 13q14.2.
Variant type: single nucleotide variant.
Coding change: c.2433T>A on transcript NM_000321.3 (MANE Select); coding-DNA position 2433, T replaced by A.
Protein change: p.Ser811Arg; replaces serine 811 with arginine.
Molecular consequence: missense variant.
Genome position (GRCh38, 1-based): chr13:48,465,312, T>A. VCF-style: chr13-48465312-T-A. GRCh37 (hg19) VCF-style: chr13-49039448-T-A.
Other names: c.2433T>A, p.Ser811Arg (NM_001407165.1); short protein forms S811R.
Identifiers: ClinVar variation 2095416 (VCV002095416.4), dbSNP rs2542376023, ClinGen allele CA388167971.